The following is an entry in ClinVar:

NM_181882.3(PRX):c.607C>T (p.Gln203Ter)

Gene: PRX (periaxin; minus strand). Cytogenetic location: 19q13.2.
Variant type: single nucleotide variant.
Coding change: c.607C>T on transcript NM_181882.3 (MANE Select); coding-DNA position 607, C replaced by T.
Protein change: p.Gln203Ter; replaces glutamine 203 with a stop codon.
Molecular consequence: nonsense. On other transcripts: 3 prime UTR variant (1).
Genome position (GRCh38, 1-based): chr19:40,397,745, G>A on the plus strand (C>T on the coding strand, the complement: PRX is on the minus strand). VCF-style: chr19-40397745-G-A. GRCh37 (hg19) VCF-style: chr19-40903652-G-A.
Other names: c.*812C>T (NM_020956.2); short protein forms Q203*.
Identifiers: ClinVar variation 836047 (VCV000836047.9), dbSNP rs2079456028, ClinGen allele CA405900032.

ClinVar aggregate classification (germline): Pathogenic (1 of 4 stars; one submission).

Conditions:
Charcot-Marie-Tooth disease type 4. Also called: Charcot-Marie-Tooth disease, type IV; Charcot-Marie-Tooth, Type 4. Identifiers: Orphanet 64749, MedGen C4082197, MONDO:0018995.

Allele frequency attached by ClinVar (database versions not stated): gnomAD exomes 0.00001.
gnomAD v4.1: 8 of 1,563,968 alleles (0.00051%); highest among the groups gnomAD compares: Non-Finnish European, 0.00069%; no homozygotes.

Submission:

Labcorp Genetics (formerly Invitae), Labcorp
Classification: Pathogenic for Charcot-Marie-Tooth disease type 4. Last evaluated: 2022-07-12. Review status: criteria provided, single submitter. Criteria: Invitae Variant Classification Sherloc (09022015). Collection method: clinical testing. Allele origin: germline.
Comment: This variant disrupts a region of the PRX protein in which other variant(s) (p.Arg1070*) have been determined to be pathogenic (PMID: 15197604, 15469949, 16770524, 22847150, 26059842). This suggests that this is a clinically significant region of the protein, and that variants that disrupt it are likely to be disease-causing. For these reasons, this variant has been classified as Pathogenic. ClinVar contains an entry for this variant (Variation ID: 836047). This sequence change creates a premature translational stop signal (p.Gln203*) in the PRX gene. While this is not anticipated to result in nonsense mediated decay, it is expected to disrupt the last 1259 amino acid(s) of the PRX protein. This variant is not present in population databases (gnomAD no frequency). This variant has not been reported in the literature in individuals affected with PRX-related conditions.

Literature cited by the submitters: PubMed 15197604; PubMed 15469949; PubMed 16770524; PubMed 22847150; PubMed 26059842.